The following is an entry in ClinVar:

ClinVar aggregate classification (germline): Uncertain significance. Review status: criteria provided, multiple submitters, no conflicts (2 of 4 stars). 3 submissions from 3 submitters: Uncertain significance (3). Last evaluated 2025-12-16.

Conditions:
Inborn genetic diseases. Identifiers: MedGen C0950123, MeSH D030342.

Allele frequency attached by ClinVar (database versions not stated): gnomAD 0.00001; TOPMed 0.00002; gnomAD exomes 0.00004 and 0.00008; ExAC 0.00006.
gnomAD v4.1: 24 of 1,613,970 alleles (0.0015%); highest among the groups gnomAD compares: Admixed American, 0.04%; no homozygotes.

Submissions (3):

Labcorp Genetics (formerly Invitae), Labcorp
Classification: Uncertain significance. Last evaluated: 2025-12-16. Review status: criteria provided, single submitter. Criteria: Invitae Variant Classification Sherloc (09022015). Collection method: clinical testing. Allele origin: germline.
Comment: This sequence change replaces valine, which is neutral and non-polar, with alanine, which is neutral and non-polar, at codon 129 of the CFI protein (p.Val129Ala). This variant is present in population databases (rs757193878, gnomAD 0.06%). This variant has not been reported in the literature in individuals affected with CFI-related conditions. ClinVar contains an entry for this variant (Variation ID: 1162968). Invitae Evidence Modeling of protein sequence and biophysical properties (such as structural, functional, and spatial information, amino acid conservation, physicochemical variation, residue mobility, and thermodynamic stability) indicates that this missense variant is expected to disrupt CFI protein function with a positive predictive value of 95%. In summary, the available evidence is currently insufficient to determine the role of this variant in disease. Therefore, it has been classified as a Variant of Uncertain Significance.

Ambry Genetics
Classification: Uncertain significance for Inborn genetic diseases. Last evaluated: 2023-11-28. Review status: criteria provided, single submitter. Criteria: Ambry Variant Classification Scheme 2023. Collection method: clinical testing. Allele origin: germline.

Mayo Clinic Laboratories, Mayo Clinic
Classification: Uncertain significance. Last evaluated: 2021-01-07. Review status: criteria provided, single submitter. Criteria: ACMG Guidelines, 2015. Collection method: clinical testing. Allele origin: germline. Observed: 1 variant allele.

NM_000204.5(CFI):c.386T>C (p.Val129Ala)

Gene: CFI (complement factor I; minus strand). Cytogenetic location: 4q25.
Variant type: single nucleotide variant.
Coding change: c.386T>C on transcript NM_000204.5 (MANE Select); coding-DNA position 386, T replaced by C.
Protein change: p.Val129Ala; replaces valine 129 with alanine.
Molecular consequence: missense variant. On other transcripts: non-coding transcript variant (3), intron variant (1).
Genome position (GRCh38, 1-based): chr4:109,764,633, A>G on the plus strand (T>C on the coding strand, the complement: CFI is on the minus strand). VCF-style: chr4-109764633-A-G. GRCh37 (hg19) VCF-style: chr4-110685789-A-G.
Other names: c.386T>C, p.Val129Ala (NM_001318057.2, NM_001331035.2, NM_001375278.1 and 5 more transcripts); c.-127-2941T>C (NM_001375284.1); c.386T>C (NM_000204.3); short protein forms V129A.
Identifiers: ClinVar variation 1162968 (VCV001162968.12), dbSNP rs757193878, ClinGen allele CA3042286.